The following is an entry in ClinVar:

ClinVar aggregate classification (germline): Uncertain significance (1 of 4 stars; one submission).

Conditions:
Primary ciliary dyskinesia. Also called: Ciliary dyskinesia. Identifiers: Orphanet 244, MedGen C0008780, MONDO:0016575, HP:0012265.

gnomAD v4.1: 1 of 1,613,884 alleles (0.000062%); highest among the groups gnomAD compares: African/African-American, 0.0013%; no homozygotes.

Submission:

Labcorp Genetics (formerly Invitae), Labcorp
Classification: Uncertain significance for Primary ciliary dyskinesia. Last evaluated: 2025-12-19. Review status: criteria provided, single submitter. Criteria: Invitae Variant Classification Sherloc (09022015). Collection method: clinical testing. Allele origin: germline.
Comment: This sequence change replaces lysine, which is basic and polar, with arginine, which is basic and polar, at codon 1575 of the DNAH8 protein (p.Lys1575Arg). This variant is not present in population databases (gnomAD no frequency). This variant has not been reported in the literature in individuals affected with DNAH8-related conditions. Invitae Evidence Modeling of protein sequence and biophysical properties (such as structural, functional, and spatial information, amino acid conservation, physicochemical variation, residue mobility, and thermodynamic stability) indicates that this missense variant is not expected to disrupt DNAH8 protein function with a negative predictive value of 80%. In summary, the available evidence is currently insufficient to determine the role of this variant in disease. Therefore, it has been classified as a Variant of Uncertain Significance.

NM_001206927.2(DNAH8):c.4724A>G (p.Lys1575Arg)

Gene: DNAH8 (dynein axonemal heavy chain 8; plus strand). Cytogenetic location: 6p21.2.
Variant type: single nucleotide variant.
Coding change: c.4724A>G on transcript NM_001206927.2 (MANE Select); coding-DNA position 4724, A replaced by G.
Protein change: p.Lys1575Arg; replaces lysine 1575 with arginine.
Molecular consequence: missense variant.
Genome position (GRCh38, 1-based): chr6:38,842,782, A>G. VCF-style: chr6-38842782-A-G. GRCh37 (hg19) VCF-style: chr6-38810558-A-G.
Other names: c.4073A>G, p.Lys1358Arg (NM_001371.4); short protein forms K1358R, K1575R.
Identifiers: ClinVar variation 4798687 (VCV004798687.1).
Genomic context (GRCh38, chr6:38,842,782, plus strand): 5'-GAATTGATGATTTCAGTGAGTCATGTCCTCTACTGGAAATGATGACCAATAAGGCCATGA[A>G]ACAGAGACACTGGGATAGAATCTCCGAGTTAACTGGAACCCCATTTGATGTGGAATCTGA-3'
Protein context (NP_001193856.1, residues 1565-1585): LLEMMTNKAM[Lys1575Arg]QRHWDRISEL